The following is an entry in ClinVar:

ClinVar aggregate classification (germline): Uncertain significance. Review status: criteria provided, multiple submitters, no conflicts (2 of 4 stars). 2 submissions from 2 submitters: Uncertain significance (2). Last evaluated 2025-06-17.

Conditions:
Dystonia 12 (DYT12). Also called: DYT-ATP1A3; Rapid-Onset Dystonia-Parkinsonism (RDP). Identifiers: Orphanet 71517, MedGen C1868681, MONDO:0007496, OMIM 128235.

Submissions (2):

Labcorp Genetics (formerly Invitae), Labcorp
Classification: Uncertain significance for Dystonia 12. Last evaluated: 2025-06-17. Review status: criteria provided, single submitter. Criteria: Invitae Variant Classification Sherloc (09022015). Collection method: clinical testing. Allele origin: germline.
Comment: This sequence change replaces glycine, which is neutral and non-polar, with arginine, which is basic and polar, at codon 304 of the ATP1A3 protein (p.Gly304Arg). This variant is not present in population databases (gnomAD no frequency). This variant has not been reported in the literature in individuals affected with ATP1A3-related conditions. ClinVar contains an entry for this variant (Variation ID: 468610). Invitae Evidence Modeling of protein sequence and biophysical properties (such as structural, functional, and spatial information, amino acid conservation, physicochemical variation, residue mobility, and thermodynamic stability) indicates that this missense variant is expected to disrupt ATP1A3 protein function with a positive predictive value of 95%. Algorithms developed to predict the effect of sequence changes on RNA splicing suggest that this variant may create or strengthen a splice site. In summary, the available evidence is currently insufficient to determine the role of this variant in disease. Therefore, it has been classified as a Variant of Uncertain Significance.

Mendelics
Classification: Uncertain significance. Last evaluated: 2022-05-04. Review status: criteria provided, single submitter. Criteria: Mendelics Assertion Criteria 2019. Collection method: clinical testing. Allele origin: germline.

NM_152296.5(ATP1A3):c.910G>A (p.Gly304Arg)

Gene: ATP1A3 (ATPase Na+/K+ transporting subunit alpha 3; minus strand). Cytogenetic location: 19q13.2.
Variant type: single nucleotide variant.
Coding change: c.910G>A on transcript NM_152296.5 (MANE Select); coding-DNA position 910, G replaced by A.
Protein change: p.Gly304Arg; replaces glycine 304 with arginine.
Molecular consequence: missense variant.
Genome position (GRCh38, 1-based): chr19:41,985,001, C>T on the plus strand (G>A on the coding strand, the complement: ATP1A3 is on the minus strand). VCF-style: chr19-41985001-C-T. GRCh37 (hg19) VCF-style: chr19-42489153-C-T.
Other names: c.943G>A, p.Gly315Arg (NM_001256213.2); c.949G>A, p.Gly317Arg (NM_001256214.2); short protein forms G304R, G317R, G315R.
Identifiers: ClinVar variation 468610 (VCV000468610.11), dbSNP rs1032312899, ClinGen allele CA308597221.
Genomic context (GRCh38, chr19:41,985,001, plus strand): 5'-CTGGGACATTGGCCACGATGATGCCGATGAGGAAGATGACAGCCTCAAGCCAGGTGTATC[C>T]GAGAATGAGGGAGAGGATGAAGAAGGAGACACCCAGGAAGACAGCCACGCCGGTGATGAG-3'
Protein context (NP_689509.1, residues 294-314): VSFFILSLIL[Gly304Arg]YTWLEAVIFL